The following is an entry in ClinVar:

NM_007294.4(BRCA1):c.5193+19A>G

Gene: BRCA1 (BRCA1 DNA repair associated; minus strand). Cytogenetic location: 17q21.31.
Variant type: single nucleotide variant.
Coding change: c.5193+19A>G on transcript NM_007294.4 (MANE Select); 19 bases into the intron after coding-DNA position 5193, A replaced by G.
Molecular consequence: intron variant.
Genome position (GRCh38, 1-based): chr17:43,063,314, T>C on the plus strand (A>G on the coding strand, the complement: BRCA1 is on the minus strand). VCF-style: chr17-43063314-T-C. GRCh37 (hg19) VCF-style: chr17-41215331-T-C.
Other names: c.1755+19A>G (NM_001408445.1, NM_001408450.1, NM_001408447.1 and 2 more transcripts); c.1758+19A>G (NM_001408432.1, NM_001408443.1, NM_001408439.1 and 10 more transcripts); c.5064+19A>G (NM_001407689.1, NM_001407681.1, NM_001407687.1 and 6 more transcripts); c.5067+19A>G (NM_001407670.1, NM_001407675.1, NM_001407680.1 and 10 more transcripts); c.1761+19A>G (NM_001408431.1, NM_001408425.1, NM_001408428.1 and 4 more transcripts); c.1764+19A>G (NM_001408424.1, NM_001408422.1, NM_001408423.1 and 1 more transcripts); c.1875+19A>G (NM_001408407.1, NM_001408406.1, NM_001408408.1); c.1878+19A>G (NM_001408402.1, NM_001408473.1, NM_001408399.1 and 8 more transcripts); and 72 more.
Identifiers: ClinVar variation 491099 (VCV000491099.19), dbSNP rs1555578276, ClinGen allele CA658684096.

ClinVar aggregate classification (germline): Likely benign. Review status: criteria provided, multiple submitters, no conflicts (2 of 4 stars). 3 submissions from 3 submitters: Likely benign (3). Last evaluated 2025-12-17.

Conditions:
Hereditary cancer-predisposing syndrome. Also called: Tumor predisposition; Hereditary Cancer Syndrome; Hereditary neoplastic syndrome; Neoplastic Syndromes, Hereditary. Identifiers: Orphanet 140162, MedGen C0027672, MeSH D009386, MONDO:0015356.
Hereditary breast ovarian cancer syndrome. Also called: Breast and ovarian cancer; Hereditary breast and/or ovarian cancer syndrome; BRCA1- and BRCA2-Associated Hereditary Breast and Ovarian Cancer; Hereditary breast and ovarian cancer syndrome; Hereditary breast and ovarian cancer syndrome (HBOC); Hereditary breast and ovarian cancer. Identifiers: Orphanet 145, MedGen C0677776, MeSH D061325, MONDO:0003582. Disease mechanism: loss of function.

Allele frequency attached by ClinVar (database versions not stated): gnomAD exomes below 0.00001.

Submissions (4):

Labcorp Genetics (formerly Invitae), Labcorp
Classification: Likely benign for Hereditary breast ovarian cancer syndrome. Last evaluated: 2025-12-17. Review status: criteria provided, single submitter. Criteria: Invitae Variant Classification Sherloc (09022015). Collection method: clinical testing. Allele origin: germline.

Women's Health and Genetics/Laboratory Corporation of America, LabCorp
Classification: Likely benign. Last evaluated: 2024-12-17. Review status: criteria provided, single submitter. Criteria: LabCorp Variant Classification Summary - May 2015. Collection method: clinical testing. Allele origin: germline.
Comment: Variant summary: BRCA1 c.5193+19A>G alters a non-conserved nucleotide located at a position not widely known to affect splicing. Consensus agreement among computation tools predict no significant impact on normal splicing. However, these predictions have yet to be confirmed by functional studies. The variant was absent in 250870 control chromosomes. The available data on variant occurrences in the general population are insufficient to allow any conclusion about variant significance. To our knowledge, no occurrence of c.5193+19A>G in individuals affected with Hereditary Breast And Ovarian Cancer Syndrome has been reported. At least one functional study reports experimental evidence evaluating an impact on protein function and showed no damaging effect of this variant on homology directed repair (HDR) activity (e.g. Findlay_2018). HDR assays qualify as a recognized gold standard on the basis of updated guidance provided by the ClinGen Sequence Variant Interpretation (SVI) working group. ClinVar contains an entry for this variant (Variation ID: 491099). Based on the evidence outlined above, the variant was classified as likely benign.

Color Diagnostics, LLC DBA Color Health
Classification: Likely benign for Hereditary cancer-predisposing syndrome. Last evaluated: 2017-02-02. Review status: criteria provided, single submitter. Criteria: ACMG Guidelines, 2015. Collection method: clinical testing. Allele origin: germline.

Brotman Baty Institute, University of Washington
No classification provided (evidence only). Condition: Breast-ovarian cancer, familial 1. Review status: no classification provided. Collection method: in vitro. Allele origin: not applicable. Functional consequence: functionally_normal. Not counted in ClinVar's aggregate classification.
ClinVar note: "not provided" was previously submitted as the classification for the variant. However, the classification appeared to be based only on an observation of functional data so it was converted to no classification on 2025-07-30.

Literature cited by the submitters: PubMed 30209399 (cited by Women's Health and Genetics/Laboratory Corporation of America, LabCorp).